The following is an entry in ClinVar:

ClinVar aggregate classification (germline): Uncertain significance. Review status: criteria provided, multiple submitters, no conflicts (2 of 4 stars). 2 submissions from 2 submitters: Uncertain significance (2). Last evaluated 2025-04-11.

Conditions:
Inborn genetic diseases. Identifiers: MedGen C0950123, MeSH D030342.

Allele frequency attached by ClinVar (database versions not stated): ExAC 0.00002; gnomAD 0.00003; ESP Exome Variant Server 0.00008; gnomAD exomes 0.00005 and 0.00003; TOPMed 0.00003.
gnomAD v4.1: 79 of 1,613,302 alleles (0.0049%); highest among the groups gnomAD compares: Non-Finnish European, 0.0067%; no homozygotes.

Submissions (2):

Ambry Genetics
Classification: Uncertain significance for Inborn genetic diseases. Last evaluated: 2025-04-11. Review status: criteria provided, single submitter. Criteria: Ambry Variant Classification Scheme 2023. Collection method: clinical testing. Allele origin: germline.

Labcorp Genetics (formerly Invitae), Labcorp
Classification: Uncertain significance. Last evaluated: 2021-08-04. Review status: criteria provided, single submitter. Criteria: Invitae Variant Classification Sherloc (09022015). Collection method: clinical testing. Allele origin: germline.
Comment: This sequence change replaces methionine with valine at codon 375 of the MYO1E protein (p.Met375Val). The methionine residue is highly conserved and there is a small physicochemical difference between methionine and valine. This variant is present in population databases (rs373863967, ExAC 0.004%). This variant has not been reported in the literature in individuals with MYO1E-related conditions. Algorithms developed to predict the effect of missense changes on protein structure and function are either unavailable or do not agree on the potential impact of this missense change (SIFT: "Deleterious"; PolyPhen-2: "Benign"; Align-GVGD: "Class C15"). In summary, the available evidence is currently insufficient to determine the role of this variant in disease. Therefore, it has been classified as a Variant of Uncertain Significance.

NM_004998.4(MYO1E):c.1123A>G (p.Met375Val)

Gene: MYO1E (myosin IE; minus strand). Cytogenetic location: 15q22.2.
Variant type: single nucleotide variant.
Coding change: c.1123A>G on transcript NM_004998.4 (MANE Select); coding-DNA position 1123, A replaced by G.
Protein change: p.Met375Val; replaces methionine 375 with valine.
Molecular consequence: missense variant.
Genome position (GRCh38, 1-based): chr15:59,214,705, T>C on the plus strand (A>G on the coding strand, the complement: MYO1E is on the minus strand). VCF-style: chr15-59214705-T-C. GRCh37 (hg19) VCF-style: chr15-59506904-T-C.
Other names: c.1123A>G (NM_004998.2); short protein forms M375V.
Identifiers: ClinVar variation 1038233 (VCV001038233.9), dbSNP rs373863967, ClinGen allele CA7590055.